The following is an entry in ClinVar:

ClinVar aggregate classification (germline): Likely pathogenic. Review status: criteria provided, single submitter (1 of 4 stars). 2 submissions from 2 submitters: Likely pathogenic (1). 1 of the submissions does not count toward it. Last evaluated 2019-12-23.

Conditions:
Seizure. Also called: Seizures. Identifiers: MedGen C0036572, HP:0001250.
Developmental and epileptic encephalopathy, 7 (DEE7). Also called: Early infantile epileptic encephalopathy 7; KCNQ2-Related Neonatal-Onset Developmental and Epileptic Encephalopathy (NEO-DEE); KCNQ2-Related Neonatal Epileptic Encephalopathy. Identifiers: Orphanet 439218, MedGen C3150986, MONDO:0013387, OMIM 613720.

Submissions (2):

Institute of Human Genetics, University of Leipzig Medical Center
Classification: Likely pathogenic for Developmental and epileptic encephalopathy, 7. Last evaluated: 2019-12-23. Review status: criteria provided, single submitter. Criteria: ACMG Guidelines, 2015. Collection method: clinical testing. Allele origin: germline. Affected: yes. Observed: 1 variant allele.
Comment: This variant was identified as de novo (maternity and paternity confirmed).

Cytogénomique, Hospices Civils de Lyon
Classification: Pathogenic for Seizure. Last evaluated: 2022-07-13. Review status: no assertion criteria provided. Collection method: clinical testing. Allele origin: de novo. Inheritance: Sporadic. Affected: yes. Observed: 1 variant allele, 1 heterozygote. Not counted in ClinVar's aggregate classification.

NM_172107.4(KCNQ2):c.766G>A (p.Gly256Arg)

Gene: KCNQ2 (potassium voltage-gated channel subfamily Q member 2; minus strand). Cytogenetic location: 20q13.33.
Variant type: single nucleotide variant.
Coding change: c.766G>A on transcript NM_172107.4 (MANE Select); coding-DNA position 766, G replaced by A.
Protein change: p.Gly256Arg; replaces glycine 256 with arginine.
Molecular consequence: missense variant.
Genome position (GRCh38, 1-based): chr20:63,442,456, C>T on the plus strand (G>A on the coding strand, the complement: KCNQ2 is on the minus strand). VCF-style: chr20-63442456-C-T. GRCh37 (hg19) VCF-style: chr20-62073809-C-T.
Other names: c.766G>A, p.Gly256Arg (NM_001382235.1, NM_004518.6, NM_172106.3 and 2 more transcripts); short protein forms G256R.
Identifiers: ClinVar variation 975979 (VCV000975979.3), dbSNP rs1057518500, ClinGen allele CA409653493.